The following is an entry in ClinVar:

ClinVar aggregate classification (germline): Likely benign. Review status: criteria provided, single submitter (1 of 4 stars). 2 submissions from 2 submitters: Likely benign (1). 1 of the submissions does not count toward it. Last evaluated 2025-12-22.

Conditions:
CC2D2A-related disorder. Also called: CC2D2A-related disorders; CC2D2A-related condition. Identifiers: MedGen CN239313.
Joubert syndrome. Also called: JOUBERT-BOLTSHAUSER SYNDROME; Familial aplasia of the vermis. Identifiers: Orphanet 475, MedGen C5979921, MONDO:0018772.
Meckel-Gruber syndrome. Also called: DYSENCEPHALIA SPLANCHNOCYSTICA; GRUBER SYNDROME; Dysencephalia splachnocystica. Identifiers: Orphanet 564, MedGen C0265215, MONDO:0018921.

Allele frequency attached by ClinVar (database versions not stated): gnomAD 0.00001; gnomAD exomes 0.00001 and 0.00003; ExAC 0.00002; TOPMed 0.00002.
gnomAD v4.1: 9 of 1,591,514 alleles (0.00057%); highest among the groups gnomAD compares: Admixed American, 0.013%; no homozygotes.

Submissions (2):

Labcorp Genetics (formerly Invitae), Labcorp
Classification: Likely benign for Joubert syndrome; Meckel-Gruber syndrome. Last evaluated: 2025-12-22. Review status: criteria provided, single submitter. Criteria: Invitae Variant Classification Sherloc (09022015). Collection method: clinical testing. Allele origin: germline.

PreventionGenetics, part of Exact Sciences
Classification: Likely benign for CC2D2A-related condition. Last evaluated: 2023-01-12. Review status: no assertion criteria provided. Collection method: clinical testing. Allele origin: germline. Not counted in ClinVar's aggregate classification.
Comment: This variant is classified as likely benign based on ACMG/AMP sequence variant interpretation guidelines (Richards et al. 2015 PMID: 25741868, with internal and published modifications).

NM_001378615.1(CC2D2A):c.541-6C>T

Genes: CC2D2A (coiled-coil and C2 domain containing 2A; plus strand), FBXL5 (F-box and leucine rich repeat protein 5; minus strand). Cytogenetic location: 4p15.32.
Variant type: single nucleotide variant.
Coding change: c.541-6C>T on transcript NM_001378615.1 (MANE Select); 6 bases into the intron before coding-DNA position 541, C replaced by T.
Molecular consequence: intron variant.
Genome position (GRCh38, 1-based): chr4:15,511,241, C>T. VCF-style: chr4-15511241-C-T. GRCh37 (hg19) VCF-style: chr4-15512864-C-T.
Other names: c.541-6C>T (NM_001080522.2); c.394-6C>T (NM_001378617.1).
Identifiers: ClinVar variation 1593248 (VCV001593248.10), dbSNP rs757151024, ClinGen allele CA2863436.
Genomic context (GRCh38, chr4:15,511,241, plus strand): 5'-TTAATTGTGCAGAGCGCATTACAGCTTATAAATGGGAAATTGCGATTGCTCCTTGCTTTT[C>T]GTTAGGTTCCACCTGGCTTCCCTTCTGCAGAAGAGGCCTATAACTTCTTTACTTTCAACT-3'